The following is an entry in ClinVar:

NM_001366006.2(ADGRL2):c.3746G>T (p.Gly1249Val)

Gene: ADGRL2 (adhesion G protein-coupled receptor L2; plus strand). Cytogenetic location: 1p31.1.
Variant type: single nucleotide variant.
Coding change: c.3746G>T on transcript NM_001366006.2 (MANE Select); coding-DNA position 3746, G replaced by T.
Protein change: p.Gly1249Val; replaces glycine 1249 with valine.
Molecular consequence: missense variant. On other transcripts: 3 prime UTR variant (8), non-coding transcript variant (1).
Genome position (GRCh38, 1-based): chr1:81,990,481, G>T. VCF-style: chr1-81990481-G-T. GRCh37 (hg19) VCF-style: chr1-82456165-G-T.
Other names: c.3548G>T, p.Gly1183Val (NM_001297704.3, NM_001366002.2, NM_001393351.1 and 2 more transcripts); c.*120G>T (NM_001297705.3); c.*79G>T (NM_001297706.3, NM_001366009.2, NM_001393353.1); c.3587G>T, p.Gly1196Val (NM_001330645.3, NM_001393350.1); c.3728G>T, p.Gly1243Val (NM_001350698.2, NM_001366003.2, NM_001366004.2 and 1 more transcripts); c.*138G>T (NM_001350699.2, NM_001393354.1); c.3746G>T, p.Gly1249Val (NM_001366005.2); c.*106G>T (NM_001366007.2, NM_001366008.2); short protein forms G1183V, G1196V, G1243V, G1249V.
Identifiers: ClinVar variation 3043992 (VCV003043992.2), dbSNP rs143448377, ClinGen allele CA923164.

ClinVar aggregate classification (germline): Benign (0 of 4 stars; one submission).

Conditions:
ADGRL2-related disorder. Also called: ADGRL2-related condition.

Allele frequency attached by ClinVar (database versions not stated): TOPMed 0.00078; ESP Exome Variant Server 0.00085; gnomAD 0.00097; gnomAD exomes 0.00132; ExAC 0.00205; 1000 Genomes Project 30x 0.00219; 1000 Genomes Project 0.00260.
gnomAD v4.1: 2,130 of 1,614,078 alleles (0.13%); highest among the groups gnomAD compares: Middle Eastern, 1%; 20 homozygotes.

Submission:

PreventionGenetics, part of Exact Sciences
Classification: Benign for ADGRL2-related condition. Last evaluated: 2019-02-19. Review status: no assertion criteria provided. Collection method: clinical testing. Allele origin: germline.
Comment: This variant is classified as benign based on ACMG/AMP sequence variant interpretation guidelines (Richards et al. 2015 PMID: 25741868, with internal and published modifications).